The following is an entry in ClinVar:

ClinVar aggregate classification (germline): Pathogenic (1 of 4 stars; one submission).

Submission:

Labcorp Genetics (formerly Invitae), Labcorp
Classification: Pathogenic. Last evaluated: 2022-01-06. Review status: criteria provided, single submitter. Criteria: Invitae Variant Classification Sherloc (09022015). Collection method: clinical testing. Allele origin: germline.
Comment: For these reasons, this variant has been classified as Pathogenic. This variant disrupts a region of the AGXT protein in which other variant(s) (p.Arg360Gln) have been determined to be pathogenic (PMID: 19479957, 21705122, 27935012, 30341509). This suggests that this is a clinically significant region of the protein, and that variants that disrupt it are likely to be disease-causing. This variant has not been reported in the literature in individuals affected with AGXT-related conditions. This variant is a gross deletion of the genomic region encompassing exon(s) 9-11 of the AGXT gene, which includes the termination codon. This deletion extends beyond the assayed region for this gene and therefore may encompass additional genes. While this deletion is not anticipated to lead to nonsense mediated decay, it is expected to alter mRNA translation or result in a truncated protein product.

Literature cited by the submitters: PubMed 19479957; PubMed 21705122; PubMed 27935012; PubMed 30341509.

NC_000002.11:g.(?_241816944)_(241818248_?)del

Gene: AGXT (alanine--glyoxylate aminotransferase; plus strand). Cytogenetic location: 2q37.3.
Variant type: Deletion.
Identifiers: ClinVar variation 2422156 (VCV002422156.4).